The following is an entry in ClinVar:

ClinVar aggregate classification (germline): Uncertain significance (1 of 4 stars; one submission).

Conditions:
LAMA2-related muscular dystrophy (LAMA2-RD). Also called: Laminin alpha 2-related dystrophy. Identifiers: MedGen C5679788, MONDO:0100228.

Allele frequency attached by ClinVar (database versions not stated): gnomAD exomes below 0.00001.
gnomAD v4.1: 17 of 1,611,644 alleles (0.0011%); highest among the groups gnomAD compares: Non-Finnish European, 0.0014%; no homozygotes.

Submission:

Labcorp Genetics (formerly Invitae), Labcorp
Classification: Uncertain significance for LAMA2-related muscular dystrophy. Last evaluated: 2021-08-24. Review status: criteria provided, single submitter. Criteria: Invitae Variant Classification Sherloc (09022015). Collection method: clinical testing. Allele origin: germline.
Comment: This sequence change falls in intron 48 of the LAMA2 gene. It does not directly change the encoded amino acid sequence of the LAMA2 protein. It affects a nucleotide within the consensus splice site of the intron. This variant is not present in population databases (ExAC no frequency). This variant has not been reported in the literature in individuals affected with LAMA2-related conditions. Variants that disrupt the consensus splice site are a relatively common cause of aberrant splicing (PMID: 17576681, 9536098). Algorithms developed to predict the effect of sequence changes on RNA splicing suggest that this variant may disrupt the consensus splice site. In summary, the available evidence is currently insufficient to determine the role of this variant in disease. Therefore, it has been classified as a Variant of Uncertain Significance.

Literature cited by the submitters: PubMed 17576681; PubMed 9536098.

NM_000426.4(LAMA2):c.6868-3C>T

Gene: LAMA2 (laminin subunit alpha 2; plus strand). Cytogenetic location: 6q22.33.
Variant type: single nucleotide variant.
Coding change: c.6868-3C>T on transcript NM_000426.4 (MANE Select); 3 bases into the intron before coding-DNA position 6868, C replaced by T.
Molecular consequence: intron variant.
Genome position (GRCh38, 1-based): chr6:129,460,197, C>T. VCF-style: chr6-129460197-C-T. GRCh37 (hg19) VCF-style: chr6-129781342-C-T.
Other names: c.6868-3C>T (NM_001079823.2).
Identifiers: ClinVar variation 859903 (VCV000859903.5), dbSNP rs1327267283, ClinGen allele CA570054374.